The following is an entry in ClinVar:

NM_199420.4(POLQ):c.3141T>G (p.His1047Gln)

Gene: POLQ (DNA polymerase theta; minus strand). Cytogenetic location: 3q13.33.
Variant type: single nucleotide variant.
Coding change: c.3141T>G on transcript NM_199420.4 (MANE Select); coding-DNA position 3141, T replaced by G.
Protein change: p.His1047Gln; replaces histidine 1047 with glutamine.
Molecular consequence: missense variant.
Genome position (GRCh38, 1-based): chr3:121,489,790, A>C on the plus strand (T>G on the coding strand, the complement: POLQ is on the minus strand). VCF-style: chr3-121489790-A-C. GRCh37 (hg19) VCF-style: chr3-121208637-A-C.
Other names: short protein forms H1047Q.
Identifiers: ClinVar variation 3229916 (VCV003229916.1), dbSNP rs2546787756, ClinGen allele CA354101591.

ClinVar aggregate classification (germline): Uncertain significance (1 of 4 stars; one submission).

Submission:

Ambry Genetics
Classification: Uncertain significance. Last evaluated: 2023-12-21. Review status: criteria provided, single submitter. Criteria: Ambry Variant Classification Scheme 2023. Collection method: clinical testing. Allele origin: germline.
Comment: The p.H1047Q variant (also known as c.3141T>G), located in coding exon 16 of the POLQ gene, results from a T to G substitution at nucleotide position 3141. The histidine at codon 1047 is replaced by glutamine, an amino acid with highly similar properties. This amino acid position is conserved. In addition, this alteration is predicted to be tolerated by in silico analysis. Since supporting evidence is limited at this time, the clinical significance of this alteration remains unclear.